The following is an entry in ClinVar:

NM_003803.4(MYOM1):c.3479G>A (p.Cys1160Tyr)

Gene: MYOM1 (myomesin 1; minus strand). Cytogenetic location: 18p11.31.
Variant type: single nucleotide variant.
Coding change: c.3479G>A on transcript NM_003803.4 (MANE Select); coding-DNA position 3479, G replaced by A.
Protein change: p.Cys1160Tyr; replaces cysteine 1160 with tyrosine.
Molecular consequence: missense variant.
Genome position (GRCh38, 1-based): chr18:3,102,570, C>T on the plus strand (G>A on the coding strand, the complement: MYOM1 is on the minus strand). VCF-style: chr18-3102570-C-T. GRCh37 (hg19) VCF-style: chr18-3102568-C-T.
Other names: c.3191G>A, p.Cys1064Tyr (NM_019856.2); short protein forms C1160Y, C1064Y.
Identifiers: ClinVar variation 2965665 (VCV002965665.3), dbSNP rs201584223, ClinGen allele CA8874275.

ClinVar aggregate classification (germline): Uncertain significance (1 of 4 stars; one submission).

Conditions:
Hypertrophic cardiomyopathy. Also called: HYPERTROPHIC MYOCARDIOPATHY. Identifiers: HP:0001639, Orphanet 217569, MedGen C0007194, MeSH D002312, MONDO:0005045.

Allele frequency attached by ClinVar (database versions not stated): ExAC 0.00002; gnomAD 0.00001; 1000 Genomes Project 30x 0.00016; 1000 Genomes Project 0.00020; TOPMed 0.00001.
gnomAD v4.1: 2 of 1,613,886 alleles (0.00012%); highest among the groups gnomAD compares: East Asian, 0.0022%; no homozygotes.

Submission:

Labcorp Genetics (formerly Invitae), Labcorp
Classification: Uncertain significance for Hypertrophic cardiomyopathy. Last evaluated: 2025-04-01. Review status: criteria provided, single submitter. Criteria: Invitae Variant Classification Sherloc (09022015). Collection method: clinical testing. Allele origin: germline.
Comment: This sequence change replaces cysteine, which is neutral and slightly polar, with tyrosine, which is neutral and polar, at codon 1160 of the MYOM1 protein (p.Cys1160Tyr). This variant is present in population databases (rs201584223, gnomAD 0.006%). This variant has not been reported in the literature in individuals affected with MYOM1-related conditions. ClinVar contains an entry for this variant (Variation ID: 2965665). Invitae Evidence Modeling of protein sequence and biophysical properties (such as structural, functional, and spatial information, amino acid conservation, physicochemical variation, residue mobility, and thermodynamic stability) indicates that this missense variant is expected to disrupt MYOM1 protein function with a positive predictive value of 80%. In summary, the available evidence is currently insufficient to determine the role of this variant in disease. Therefore, it has been classified as a Variant of Uncertain Significance.